The following is an entry in ClinVar:

ClinVar aggregate classification (germline): Conflicting classifications of pathogenicity. Review status: criteria provided, conflicting classifications (1 of 4 stars). 3 submissions from 3 submitters: Uncertain significance (2); Likely benign (1). Last evaluated 2025-09-12.

Conditions:
Charcot-Marie-Tooth disease type 2. Also called: Charcot-Marie-Tooth type 2. Identifiers: Orphanet 64746, MedGen C0270914, MONDO:0018993.
Charcot-Marie-Tooth disease. Also called: Charcot-Marie-Tooth Neuropathy; Charcot-Marie-Tooth Hereditary Neuropathy. Identifiers: Orphanet 166, MedGen C0007959, MONDO:0015626.

Allele frequency attached by ClinVar (database versions not stated): TOPMed 0.00004; gnomAD 0.00009 and 0.00008.
gnomAD v4.1: 140 of 1,594,724 alleles (0.0088%); highest among the groups gnomAD compares: Non-Finnish European, 0.011%; no homozygotes.

Submissions (3):

Labcorp Genetics (formerly Invitae), Labcorp
Classification: Likely benign for Charcot-Marie-Tooth disease type 2. Last evaluated: 2025-09-12. Review status: criteria provided, single submitter. Criteria: Invitae Variant Classification Sherloc (09022015). Collection method: clinical testing. Allele origin: germline.

ARUP Laboratories, Molecular Genetics and Genomics, ARUP Laboratories
Classification: Uncertain significance. Last evaluated: 2023-06-29. Review status: criteria provided, single submitter. Criteria: ARUP Molecular Germline Variant Investigation Process 2024. Collection method: clinical testing. Allele origin: germline.
Comment: The GARS1 c.19G>T; p.Val7Leu variant (rs201132307) is reported in the literature in two individuals with symptoms of Charcot-Marie-Tooth disease (Volodarsky 2021). This variant is reported in ClinVar (Variation ID: 657471) and is found in the non-Finnish European population with an allele frequency of 0.0247% (28/113,414 alleles) in the Genome Aggregation Database. Computational analyses predict that this variant is neutral (REVEL: 0.108). Due to limited information, the clinical significance of this variant is uncertain at this time. References: Volodarsky M et al. Comprehensive genetic sequence and copy number analysis for Charcot-Marie-Tooth disease in a Canadian cohort of 2517 patients. J Med Genet. 2021 Apr;58(4):284-288. PMID: 32376792.

Molecular Genetics Laboratory, London Health Sciences Centre
Classification: Uncertain significance for Charcot-Marie-Tooth disease. Review status: criteria provided, single submitter. Criteria: ACMG Guidelines, 2015. Collection method: clinical testing. Allele origin: germline. Affected: yes.

NM_002047.4(GARS1):c.19G>T (p.Val7Leu)

Gene: GARS1 (glycyl-tRNA synthetase 1; plus strand). Cytogenetic location: 7p14.3.
Variant type: single nucleotide variant.
Coding change: c.19G>T on transcript NM_002047.4 (MANE Select); coding-DNA position 19, G replaced by T.
Protein change: p.Val7Leu; replaces valine 7 with leucine.
Molecular consequence: missense variant. On other transcripts: 5 prime UTR variant (1).
Genome position (GRCh38, 1-based): chr7:30,594,940, G>T. VCF-style: chr7-30594940-G-T. GRCh37 (hg19) VCF-style: chr7-30634556-G-T.
Other names: c.19G>T (LRG_243t1); c.-144G>T (NM_001316772.1); short protein forms V7L.
Identifiers: ClinVar variation 657471 (VCV000657471.12), dbSNP rs201132307, ClinGen allele CA4205561.